The following is an entry in ClinVar:

NM_145331.3(MAP3K7):c.1024A>G (p.Asn342Asp)

Gene: MAP3K7 (mitogen-activated protein kinase kinase kinase 7; minus strand). Cytogenetic location: 6q15.
Variant type: single nucleotide variant.
Coding change: c.1024A>G on transcript NM_145331.3 (MANE Select); coding-DNA position 1024, A replaced by G.
Protein change: p.Asn342Asp; replaces asparagine 342 with aspartic acid.
Molecular consequence: missense variant.
Genome position (GRCh38, 1-based): chr6:90,548,103, T>C on the plus strand (A>G on the coding strand, the complement: MAP3K7 is on the minus strand). VCF-style: chr6-90548103-T-C. GRCh37 (hg19) VCF-style: chr6-91257822-T-C.
Other names: c.1024A>G, p.Asn342Asp (NM_003188.4, NM_145332.3, NM_145333.3); c.1024A>G (NM_145331.1); short protein forms N342D.
Identifiers: ClinVar variation 2978751 (VCV002978751.4), dbSNP rs749145408, ClinGen allele CA3928497.

ClinVar aggregate classification (germline): Uncertain significance. Review status: criteria provided, multiple submitters, no conflicts (2 of 4 stars). 2 submissions from 2 submitters: Uncertain significance (2). Last evaluated 2024-12-30.

Conditions:
Inborn genetic diseases. Identifiers: MedGen C0950123, MeSH D030342.

Allele frequency attached by ClinVar (database versions not stated): ExAC 0.00001; gnomAD exomes 0.00001; TOPMed 0.00002.
gnomAD v4.1: 8 of 1,612,412 alleles (0.0005%); highest among the groups gnomAD compares: South Asian, 0.0033%; no homozygotes.

Submissions (2):

Ambry Genetics
Classification: Uncertain significance for Inborn genetic diseases. Last evaluated: 2024-12-30. Review status: criteria provided, single submitter. Criteria: Ambry Variant Classification Scheme 2023. Collection method: clinical testing. Allele origin: germline.

Labcorp Genetics (formerly Invitae), Labcorp
Classification: Uncertain significance. Last evaluated: 2023-11-28. Review status: criteria provided, single submitter. Criteria: Invitae Variant Classification Sherloc (09022015). Collection method: clinical testing. Allele origin: germline.
Comment: This sequence change replaces asparagine, which is neutral and polar, with aspartic acid, which is acidic and polar, at codon 342 of the MAP3K7 protein (p.Asn342Asp). This variant is present in population databases (rs749145408, gnomAD 0.003%). This variant has not been reported in the literature in individuals affected with MAP3K7-related conditions. An algorithm developed to predict the effect of missense changes on protein structure and function (PolyPhen-2) suggests that this variant is likely to be tolerated. In summary, the available evidence is currently insufficient to determine the role of this variant in disease. Therefore, it has been classified as a Variant of Uncertain Significance.